The following is an entry in ClinVar:

ClinVar aggregate classification (germline): Uncertain significance. Review status: criteria provided, multiple submitters, no conflicts (2 of 4 stars). 2 submissions from 2 submitters: Uncertain significance (2). Last evaluated 2024-05-26.

Allele frequency attached by ClinVar (database versions not stated): TOPMed 0.00001; gnomAD 0.00002; 1000 Genomes Project 30x 0.00016; 1000 Genomes Project 0.00020.
gnomAD v4.1: 10 of 1,563,316 alleles (0.00064%); highest among the groups gnomAD compares: East Asian, 0.0072%; no homozygotes.

Submissions (2):

Ambry Genetics
Classification: Uncertain significance. Last evaluated: 2024-05-26. Review status: criteria provided, single submitter. Criteria: Ambry Variant Classification Scheme 2023. Collection method: clinical testing. Allele origin: germline.

Labcorp Genetics (formerly Invitae), Labcorp
Classification: Uncertain significance. Last evaluated: 2023-01-22. Review status: criteria provided, single submitter. Criteria: Invitae Variant Classification Sherloc (09022015). Collection method: clinical testing. Allele origin: germline.
Comment: Algorithms developed to predict the effect of missense changes on protein structure and function are either unavailable or do not agree on the potential impact of this missense change (SIFT: "Deleterious"; PolyPhen-2: "Probably Damaging"; Align-GVGD: "Class C15"). This variant has not been reported in the literature in individuals affected with ZNF687-related conditions. This variant is present in population databases (rs587608106, gnomAD 0.008%). This sequence change replaces arginine, which is basic and polar, with tryptophan, which is neutral and slightly polar, at codon 945 of the ZNF687 protein (p.Arg945Trp). In summary, the available evidence is currently insufficient to determine the role of this variant in disease. Therefore, it has been classified as a Variant of Uncertain Significance.

NM_020832.3(ZNF687):c.2833C>T (p.Arg945Trp)

Gene: ZNF687 (zinc finger protein 687; plus strand). Cytogenetic location: 1q21.3.
Variant type: single nucleotide variant.
Coding change: c.2833C>T on transcript NM_020832.3 (MANE Select); coding-DNA position 2833, C replaced by T.
Protein change: p.Arg945Trp; replaces arginine 945 with tryptophan.
Molecular consequence: missense variant.
Genome position (GRCh38, 1-based): chr1:151,289,876, C>T. VCF-style: chr1-151289876-C-T. GRCh37 (hg19) VCF-style: chr1-151262352-C-T.
Other names: c.2833C>T (NM_020832.1); c.2833C>T, p.Arg945Trp (NM_001304763.2, NM_001304764.2); short protein forms R945W.
Identifiers: ClinVar variation 2786950 (VCV002786950.4), dbSNP rs587608106, ClinGen allele CA1088653.